The following is an entry in ClinVar:

ClinVar aggregate classification (germline): Uncertain significance (1 of 4 stars; one submission).

Allele frequency attached by ClinVar (database versions not stated): ESP Exome Variant Server 0.00008; gnomAD 0.00015; ExAC 0.00018; TOPMed 0.00021.
gnomAD v4.1: 132 of 1,613,792 alleles (0.0082%); highest among the groups gnomAD compares: Admixed American, 0.097%; no homozygotes.

Submission:

Labcorp Genetics (formerly Invitae), Labcorp
Classification: Uncertain significance. Last evaluated: 2025-11-11. Review status: criteria provided, single submitter. Criteria: Invitae Variant Classification Sherloc (09022015). Collection method: clinical testing. Allele origin: germline.
Comment: This sequence change replaces arginine, which is basic and polar, with cysteine, which is neutral and slightly polar, at codon 479 of the PCK2 protein (p.Arg479Cys). This variant is present in population databases (rs145351624, gnomAD 0.1%), and has an allele count higher than expected for a pathogenic variant. This variant has not been reported in the literature in individuals affected with PCK2-related conditions. ClinVar contains an entry for this variant (Variation ID: 2059080). Invitae Evidence Modeling of protein sequence and biophysical properties (such as structural, functional, and spatial information, amino acid conservation, physicochemical variation, residue mobility, and thermodynamic stability) indicates that this missense variant is not expected to disrupt PCK2 protein function with a negative predictive value of 80%. In summary, the available evidence is currently insufficient to determine the role of this variant in disease. Therefore, it has been classified as a Variant of Uncertain Significance.

NM_004563.4(PCK2):c.1435C>T (p.Arg479Cys)

Genes: NRL (neural retina leucine zipper; minus strand), PCK2 (phosphoenolpyruvate carboxykinase 2, mitochondrial; plus strand). Cytogenetic location: 14q12.
Variant type: single nucleotide variant.
Coding change: c.1435C>T on transcript NM_004563.4 (MANE Select); coding-DNA position 1435, C replaced by T.
Protein change: p.Arg479Cys; replaces arginine 479 with cysteine.
Molecular consequence: missense variant. On other transcripts: intron variant (3).
Genome position (GRCh38, 1-based): chr14:24,103,222, C>T. VCF-style: chr14-24103222-C-T. GRCh37 (hg19) VCF-style: chr14-24572431-C-T.
Other names: c.1033C>T, p.Arg345Cys (NM_001291556.2, NM_001308054.2); c.-28+11500G>A (NM_001354768.3, NM_001354770.2); c.-254+11500G>A (NM_006177.5); short protein forms R345C, R479C.
Identifiers: ClinVar variation 2059080 (VCV002059080.4), dbSNP rs145351624, ClinGen allele CA7123492.